The following is an entry in ClinVar:

ClinVar aggregate classification (germline): Likely benign (1 of 4 stars; one submission).

Allele frequency attached by ClinVar (database versions not stated): gnomAD exomes below 0.00001; gnomAD 0.00001.

Submission:

GeneDx
Classification: Likely benign. Last evaluated: 2015-11-09. Review status: criteria provided, single submitter. Criteria: GeneDx Variant Classification (06012015). Collection method: clinical testing. Allele origin: germline. Affected: yes.
Comment: This variant is considered likely benign or benign based on one or more of the following criteria: it is a conservative change, it occurs at a poorly conserved position in the protein, it is predicted to be benign by multiple in silico algorithms, and/or has population frequency not consistent with disease.

NM_000702.4(ATP1A2):c.2841-7C>T

Gene: ATP1A2 (ATPase Na+/K+ transporting subunit alpha 2; plus strand). Cytogenetic location: 1q23.2.
Variant type: single nucleotide variant.
Coding change: c.2841-7C>T on transcript NM_000702.4 (MANE Select); 7 bases into the intron before coding-DNA position 2841, C replaced by T.
Molecular consequence: intron variant.
Genome position (GRCh38, 1-based): chr1:160,139,633, C>T. VCF-style: chr1-160139633-C-T. GRCh37 (hg19) VCF-style: chr1-160109423-C-T.
Identifiers: ClinVar variation 381381 (VCV000381381.1), dbSNP rs1057521032, ClinGen allele CA16603471.